The following is an entry in ClinVar:

ClinVar aggregate classification (germline): Likely pathogenic (1 of 4 stars; one submission).

Conditions:
Neurodevelopmental disorder with short stature, prominent forehead, and feeding difficulties (NEDSFF). Also called: DPH5-related diphthamide-deficiency syndrome. Identifiers: MedGen C5774228, MONDO:0859295, OMIM 620070.

gnomAD v4.1: 1 of 1,611,748 alleles (0.000062%); highest among the groups gnomAD compares: Non-Finnish European, 0.000085%; no homozygotes.

Submission:

First Genomix Gene Laboratory, Genetic Diagnostics Department
Classification: Likely pathogenic for Neurodevelopmental disorder with short stature, prominent forehead, and feeding difficulties. Last evaluated: 2025-05-23. Review status: criteria provided, single submitter. Criteria: ACMG Guidelines, 2015. Collection method: clinical testing. Allele origin: germline. Inheritance: Autosomal recessive inheritance. Affected: no. Observed: 1 variant allele.

NM_015958.3(DPH5):c.260+1G>T

Gene: DPH5 (diphthamide biosynthesis 5; minus strand). Cytogenetic location: 1p21.2.
Variant type: single nucleotide variant.
Coding change: c.260+1G>T on transcript NM_015958.3 (MANE Select); the canonical splice donor site of the intron after coding-DNA position 260, G replaced by T.
Molecular consequence: splice donor variant.
Genome position (GRCh38, 1-based): chr1:101,021,640, C>A on the plus strand (G>T on the coding strand, the complement: DPH5 is on the minus strand). VCF-style: chr1-101021640-C-A. GRCh37 (hg19) VCF-style: chr1-101487196-C-A.
Other names: c.260+1G>T (NM_001077395.2, NM_001077394.2).
Identifiers: ClinVar variation 4849473 (VCV004849473.1).